The following is an entry in ClinVar:

NM_003036.4(SKI):c.1426G>A (p.Glu476Lys)

Gene: SKI (SKI proto-oncogene; plus strand). Cytogenetic location: 1p36.32.
Variant type: single nucleotide variant.
Coding change: c.1426G>A on transcript NM_003036.4 (MANE Select); coding-DNA position 1426, G replaced by A.
Protein change: p.Glu476Lys; replaces glutamic acid 476 with lysine.
Molecular consequence: missense variant.
Genome position (GRCh38, 1-based): chr1:2,304,054, G>A. VCF-style: chr1-2304054-G-A. GRCh37 (hg19) VCF-style: chr1-2235493-G-A.
Other names: short protein forms E476K.
Identifiers: ClinVar variation 520163 (VCV000520163.11), dbSNP rs1553200926, ClinGen allele CA337956691.
Genomic context (GRCh38, chr1:2,304,054, plus strand): 5'-AAGCTGACTGTGGACACCCCAGGAGCCCCAGAGACGCTGGCGCCCGTGGCTGCCCCAGAG[G>A]AGGACAAGGACTCGGAGGCGGAGGTGGAAGTTGAAAGCAGGGAGGAATGTACGTGTGAGT-3'
Protein context (NP_003027.1, residues 466-486): ETLAPVAAPE[Glu476Lys]DKDSEAEVEV

ClinVar aggregate classification (germline): Uncertain significance. Review status: criteria provided, multiple submitters, no conflicts (2 of 4 stars). 3 submissions from 3 submitters: Uncertain significance (3). Last evaluated 2025-12-31.

Conditions:
Familial thoracic aortic aneurysm and aortic dissection (TAAD). Also called: Thoracic aortic aneurysms and dissections. Identifiers: Orphanet 91387, MedGen C4707243, MONDO:0019625.
SKI-related disorder. Also called: SKI-related condition.

Allele frequency attached by ClinVar (database versions not stated): gnomAD exomes below 0.00001; gnomAD 0.00003.
gnomAD v4.1: 1 of 1,612,654 alleles (0.000062%); highest among the groups gnomAD compares: Non-Finnish European, 0.000085%; no homozygotes.

Submissions (3):

PreventionGenetics, part of Exact Sciences
Classification: Uncertain significance for SKI-related condition. Last evaluated: 2025-12-31. Review status: criteria provided, single submitter. Criteria: ACMG Guidelines, 2015. Collection method: clinical testing. Allele origin: germline.
Comment: The SKI c.1426G>A variant is predicted to result in the amino acid substitution p.Glu476Lys. To our knowledge, this variant has not been reported in the literature. This variant is reported in 0.0065% of alleles in individuals of European (Non-Finnish) descent in gnomAD. At this time, the clinical significance of this variant is uncertain due to the absence of conclusive functional and genetic evidence.

Ambry Genetics
Classification: Uncertain significance for Familial thoracic aortic aneurysm and aortic dissection. Last evaluated: 2025-05-18. Review status: criteria provided, single submitter. Criteria: Ambry Variant Classification Scheme 2023. Collection method: clinical testing. Allele origin: germline.
Comment: The p.E476K variant (also known as c.1426G>A), located in coding exon 4 of the SKI gene, results from a G to A substitution at nucleotide position 1426. The glutamic acid at codon 476 is replaced by lysine, an amino acid with similar properties. This amino acid position is not well conserved in available vertebrate species. In addition, the in silico prediction for this alteration is inconclusive. Since supporting evidence is limited at this time, the clinical significance of this alteration remains unclear.

GeneDx
Classification: Uncertain significance. Last evaluated: 2021-06-30. Review status: criteria provided, single submitter. Criteria: GeneDx Variant Classification Process June 2021. Collection method: clinical testing. Allele origin: germline. Affected: yes.
Comment: Has not been previously published as pathogenic or benign to our knowledge; Not observed at significant frequency in large population cohorts (Lek et al., 2016); In silico analysis supports that this missense variant does not alter protein structure/function; Reported in ClinVar as a variant of uncertain significance (ClinVar Variant ID# 520163; Landrum et al., 2016); This variant is associated with the following publications: (PMID: 26582918, 27535533)